The following is an entry in ClinVar:

ClinVar aggregate classification (germline): Uncertain significance. Review status: criteria provided, multiple submitters, no conflicts (2 of 4 stars). 3 submissions from 3 submitters: Uncertain significance (3). Last evaluated 2026-06-16.

Conditions:
PCNT-related disorder. Also called: PCNT-related condition.

Allele frequency attached by ClinVar (database versions not stated): 1000 Genomes Project 30x 0.00062; 1000 Genomes Project 0.00080.
gnomAD v4.1: 232 of 1,613,998 alleles (0.014%); highest among the groups gnomAD compares: African/African-American, 0.13%; no homozygotes.

Submissions (3):

PreventionGenetics, part of Exact Sciences
Classification: Uncertain significance for PCNT-related condition. Last evaluated: 2026-06-16. Review status: criteria provided, single submitter. Criteria: ACMG Guidelines, 2015. Collection method: clinical testing. Allele origin: germline.
Comment: The PCNT c.8398C>G variant is predicted to result in the amino acid substitution p.Arg2800Gly. To our knowledge, this variant has not been reported in the literature in individuals with PCNT-related conditions. This variant is reported in 0.14% of alleles in individuals of African descent in gnomAD, which is likely too common to be an unreported primary cause of disease. Although we suspect that this variant may be benign, at this time, the clinical significance of this variant is uncertain due to the absence of conclusive functional and genetic evidence.

Labcorp Genetics (formerly Invitae), Labcorp
Classification: Uncertain significance. Last evaluated: 2022-08-09. Review status: criteria provided, single submitter. Criteria: Invitae Variant Classification Sherloc (09022015). Collection method: clinical testing. Allele origin: germline.
Comment: This sequence change replaces arginine, which is basic and polar, with glycine, which is neutral and non-polar, at codon 2800 of the PCNT protein (p.Arg2800Gly). This variant is present in population databases (rs142608069, gnomAD 0.1%). This variant has not been reported in the literature in individuals affected with PCNT-related conditions. ClinVar contains an entry for this variant (Variation ID: 1218299). Algorithms developed to predict the effect of missense changes on protein structure and function are either unavailable or do not agree on the potential impact of this missense change (SIFT: "Deleterious"; PolyPhen-2: "Possibly Damaging"; Align-GVGD: "Class C0"). In summary, the available evidence is currently insufficient to determine the role of this variant in disease. Therefore, it has been classified as a Variant of Uncertain Significance.

GeneDx
Classification: Uncertain significance. Last evaluated: 2020-04-07. Review status: criteria provided, single submitter. Criteria: GeneDx Variant Classification Process June 2021. Collection method: clinical testing. Allele origin: germline. Affected: yes.
Comment: Has not been previously published as pathogenic or benign to our knowledge; In silico analysis, which includes protein predictors and evolutionary conservation, supports a deleterious effect; Missense variant in a gene in which most reported pathogenic variants are truncating/loss-of-function

NM_006031.6(PCNT):c.8398C>G (p.Arg2800Gly)

Gene: PCNT (pericentrin; plus strand). Cytogenetic location: 21q22.3.
Variant type: single nucleotide variant.
Coding change: c.8398C>G on transcript NM_006031.6 (MANE Select); coding-DNA position 8398, C replaced by G.
Protein change: p.Arg2800Gly; replaces arginine 2800 with glycine.
Molecular consequence: missense variant.
Genome position (GRCh38, 1-based): chr21:46,431,862, C>G. VCF-style: chr21-46431862-C-G. GRCh37 (hg19) VCF-style: chr21-47851776-C-G.
Other names: c.8044C>G, p.Arg2682Gly (NM_001315529.2); short protein forms R2682G, R2800G.
Identifiers: ClinVar variation 1218299 (VCV001218299.12), dbSNP rs142608069, ClinGen allele CA10080960.
Genomic context (GRCh38, chr21:46,431,862, plus strand): 5'-GTGCACCAGGACACACAGGCCCATCACGCTCTGCTGCAGAAGCTGAAGGAGGAGAAGTCC[C>G]GGGTGGTGGACTTGCAAGCGATGCTTGAAAAGGTGCAGCAGCAAGCCCTGCATTCTCAGC-3'
Protein context (NP_006022.3, residues 2790-2810): LLQKLKEEKS[Arg2800Gly]VVDLQAMLEK